The following is an entry in ClinVar:

ClinVar aggregate classification (germline): Uncertain significance (1 of 4 stars; one submission).

Conditions:
Familial adenomatous polyposis 1 (FAP1). Also called: FAMILIAL ADENOMATOUS POLYPOSIS 1, ATTENUATED; POLYPOSIS, ADENOMATOUS INTESTINAL. Identifiers: MedGen C2713442, MONDO:0021056, OMIM 175100. Disease mechanism: loss of function.

Submission:

Labcorp Genetics (formerly Invitae), Labcorp
Classification: Uncertain significance for Familial adenomatous polyposis 1. Last evaluated: 2024-03-25. Review status: criteria provided, single submitter. Criteria: Invitae Variant Classification Sherloc (09022015). Collection method: clinical testing. Allele origin: germline.
Comment: This sequence change replaces serine, which is neutral and polar, with glycine, which is neutral and non-polar, at codon 2830 of the APC protein (p.Ser2830Gly). This variant is not present in population databases (gnomAD no frequency). This variant has not been reported in the literature in individuals affected with APC-related conditions. Advanced modeling of protein sequence and biophysical properties (such as structural, functional, and spatial information, amino acid conservation, physicochemical variation, residue mobility, and thermodynamic stability) performed at Invitae indicates that this missense variant is not expected to disrupt APC protein function with a negative predictive value of 95%. In summary, the available evidence is currently insufficient to determine the role of this variant in disease. Therefore, it has been classified as a Variant of Uncertain Significance.

NM_000038.6(APC):c.8488A>G (p.Ser2830Gly)

Gene: APC (APC regulator of Wnt signaling pathway; plus strand). Cytogenetic location: 5q22.2.
Variant type: single nucleotide variant.
Coding change: c.8488A>G on transcript NM_000038.6 (MANE Select); coding-DNA position 8488, A replaced by G.
Protein change: p.Ser2830Gly; replaces serine 2830 with glycine.
Molecular consequence: missense variant. On other transcripts: non-coding transcript variant (2).
Genome position (GRCh38, 1-based): chr5:112,844,082, A>G. VCF-style: chr5-112844082-A-G. GRCh37 (hg19) VCF-style: chr5-112179779-A-G.
Other names: c.8488A>G, p.Ser2830Gly (NM_001127510.3, NM_001354895.2, NM_001407450.1); c.8434A>G, p.Ser2812Gly (NM_001127511.3); c.8542A>G, p.Ser2848Gly (NM_001354896.2, NM_001407447.1, NM_001407448.1 and 1 more transcripts); c.8518A>G, p.Ser2840Gly (NM_001354897.2); c.8413A>G, p.Ser2805Gly (NM_001354898.2); c.8404A>G, p.Ser2802Gly (NM_001354899.2); c.8365A>G, p.Ser2789Gly (NM_001354900.2); c.8311A>G, p.Ser2771Gly (NM_001354901.2, NM_001407453.1); and 11 more; short protein forms S2729G, S2747G, S2789G, S2805G, S2848G, S2446G, S2547G, S2701G.
Identifiers: ClinVar variation 3635533 (VCV003635533.2).